The following is an entry in ClinVar:

ClinVar aggregate classification (germline): Uncertain significance (1 of 4 stars; one submission).

Conditions:
Multiple congenital anomalies-hypotonia-seizures syndrome 1 (MCAHS1). Also called: PIGN-CDG; Congenital disorder of glycosylation due to PIGN deficiency; GLYCOSYLPHOSPHATIDYLINOSITOL BIOSYNTHESIS DEFECT 3. Identifiers: Orphanet 280633, MedGen C3279775, MONDO:0013563, OMIM 614080.

Submission:

Labcorp Genetics (formerly Invitae), Labcorp
Classification: Uncertain significance for Multiple congenital anomalies-hypotonia-seizures syndrome 1. Last evaluated: 2021-08-27. Review status: criteria provided, single submitter. Criteria: Invitae Variant Classification Sherloc (09022015). Collection method: clinical testing. Allele origin: germline.
Comment: This sequence change replaces alanine with valine at codon 503 of the PIGN protein (p.Ala503Val). The alanine residue is moderately conserved and there is a small physicochemical difference between alanine and valine. This variant is not present in population databases (ExAC no frequency). This variant has not been reported in the literature in individuals affected with PIGN-related conditions. Algorithms developed to predict the effect of missense changes on protein structure and function output the following: SIFT: "Tolerated"; PolyPhen-2: "Benign"; Align-GVGD: "Class C0". The valine amino acid residue is found in multiple mammalian species, which suggests that this missense change does not adversely affect protein function. In summary, the available evidence is currently insufficient to determine the role of this variant in disease. Therefore, it has been classified as a Variant of Uncertain Significance.

NM_176787.5(PIGN):c.1508C>T (p.Ala503Val)

Gene: PIGN (phosphatidylinositol glycan anchor biosynthesis class N; minus strand). Cytogenetic location: 18q21.33.
Variant type: single nucleotide variant.
Coding change: c.1508C>T on transcript NM_176787.5 (MANE Select); coding-DNA position 1508, C replaced by T.
Protein change: p.Ala503Val; replaces alanine 503 with valine.
Molecular consequence: missense variant.
Genome position (GRCh38, 1-based): chr18:62,109,900, G>A on the plus strand (C>T on the coding strand, the complement: PIGN is on the minus strand). VCF-style: chr18-62109900-G-A. GRCh37 (hg19) VCF-style: chr18-59777133-G-A.
Other names: c.1508C>T, p.Ala503Val (NM_012327.6); short protein forms A503V.
Identifiers: ClinVar variation 963407 (VCV000963407.7), dbSNP rs1422620353, ClinGen allele CA402605481.